The following is an entry in ClinVar:

NM_015102.5(NPHP4):c.669A>G (p.Glu223=)

Gene: NPHP4 (nephrocystin 4; minus strand). Cytogenetic location: 1p36.31.
Variant type: single nucleotide variant.
Coding change: c.669A>G on transcript NM_015102.5 (MANE Select); coding-DNA position 669, A replaced by G.
Protein change: p.Glu223=; no amino-acid change (glutamic acid 223 retained).
Molecular consequence: synonymous variant. On other transcripts: 5 prime UTR variant (2), non-coding transcript variant (1).
Genome position (GRCh38, 1-based): chr1:5,961,798, T>C on the plus strand (A>G on the coding strand, the complement: NPHP4 is on the minus strand). VCF-style: chr1-5961798-T-C. GRCh37 (hg19) VCF-style: chr1-6021858-T-C.
Other names: c.669A>G (NM_015102.4); c.-561A>G (NM_001291593.2); c.-698A>G (NM_001291594.2).
Identifiers: ClinVar variation 1464042 (VCV001464042.12), dbSNP rs183537107, ClinGen allele CA554780.

ClinVar aggregate classification (germline): Conflicting classifications of pathogenicity. Review status: criteria provided, conflicting classifications (1 of 4 stars). 3 submissions from 3 submitters: Uncertain significance (1); Likely benign (2). Last evaluated 2026-07-07.

Conditions:
Nephronophthisis. Also called: Juvenile Nephronophthisis. Identifiers: Orphanet 655, MedGen C0687120, MONDO:0019005, HP:0000090.
NPHP4-related disorder. Also called: NPHP4-related disorders; NPHP4-related condition. Identifiers: MedGen CN239384.

Allele frequency attached by ClinVar (database versions not stated): TOPMed 0.00002; gnomAD 0.00003; gnomAD exomes 0.00003 and 0.00004; ExAC 0.00008; ESP Exome Variant Server 0.00008; 1000 Genomes Project 30x 0.00016; 1000 Genomes Project 0.00020.
gnomAD v4.1: 65 of 1,611,748 alleles (0.004%); highest among the groups gnomAD compares: Non-Finnish European, 0.0053%; no homozygotes.

Submissions (3):

PreventionGenetics, part of Exact Sciences
Classification: Uncertain significance for NPHP4-related condition. Last evaluated: 2026-07-07. Review status: criteria provided, single submitter. Criteria: ACMG Guidelines, 2015. Collection method: clinical testing. Allele origin: germline.
Comment: The NPHP4 c.669A>G variant is not predicted to result in an amino acid change (p.=). This variant is predicted to impact splicing based on one available splicing algorithm (SpliceAI, Jaganathan et al. 2019. PubMed ID: 30661751). To our knowledge, this variant has not been reported in the literature. This variant is reported in 0.0063% of alleles in individuals of European (Non-Finnish) descent in gnomAD. At this time, the clinical significance of this variant is uncertain due to the absence of conclusive functional and genetic evidence.

Labcorp Genetics (formerly Invitae), Labcorp
Classification: Likely benign for Nephronophthisis. Last evaluated: 2024-07-30. Review status: criteria provided, single submitter. Criteria: Invitae Variant Classification Sherloc (09022015). Collection method: clinical testing. Allele origin: germline.

Blueprint Genetics
Classification: Likely benign. Last evaluated: 2022-10-06. Review status: criteria provided, single submitter. Criteria: ACMG Guidelines, 2015. Collection method: clinical testing. Allele origin: germline.